The following is an entry in ClinVar:

NM_000135.4(FANCA):c.2910del (p.Gly972fs)

Gene: FANCA (FA complementation group A; minus strand). Cytogenetic location: 16q24.3.
Variant type: Deletion.
Coding change: c.2910del on transcript NM_000135.4 (MANE Select); coding-DNA position 2910, one base deleted (A; older notation c.2910delA).
Protein change: p.Gly972fs; shifts the reading frame from glycine 972.
Molecular consequence: frameshift variant.
Genome position (GRCh38, 1-based): chr16:89,758,648, T deleted on the plus strand (A on the coding strand, the reverse complement: FANCA is on the minus strand). VCF-style (leftmost placement, unchanged base first): chr16-89758647-CT-C. GRCh37 (hg19) VCF-style: chr16-89825055-CT-C.
Other names: c.2910del (LRG_495t1); c.2910delA (NM_000135.2, NM_000135.3); c.2910del, p.Gly972fs (NM_001286167.3); short protein forms G972fs.
Identifiers: ClinVar variation 558147 (VCV000558147.8), dbSNP rs1278836130, ClinGen allele CA624246331.

ClinVar aggregate classification (germline): Pathogenic. Review status: criteria provided, multiple submitters, no conflicts (2 of 4 stars). 5 submissions from 5 submitters: Pathogenic (4). 1 of the submissions does not count toward it. Last evaluated 2025-11-20.

Conditions:
Fanconi anemia complementation group A (FANCA). Also called: Fanconi anemia, group A; FANCA-Related Fanconi Anemia. Identifiers: Orphanet 84, MedGen C3469521, MONDO:0009215, OMIM 227650.
Fanconi anemia (FA). Also called: Fanconi's anemia. Identifiers: Orphanet 84, MedGen C0015625, MeSH D005199, MONDO:0019391.

Allele frequency attached by ClinVar (database versions not stated): gnomAD exomes below 0.00001.

Submissions (5):

Natera, Inc.
Classification: Pathogenic for Fanconi anemia. Last evaluated: 2025-11-20. Review status: criteria provided, single submitter. Criteria: Natera Variant Classification Schema (03/2026). Collection method: clinical testing. Allele origin: germline.
Comment: The c.2910delA variant in FANCA is a frameshift variant predicted to shift the reading frame beginning at codon 972 and leads to a stop codon 17 codons downstream. This variant is expected to result in nonsense mediated decay, truncation, or a dysfunctional protein product. This variant is rare in the general population with a frequency below the threshold expected for the associated phenotype(s). This variant has been observed in one or more individuals affected with the associated recessive disease, as either homozygous or compound heterozygous with a second variant (PMID: 29098742). Given the available evidence, this variant is classified as Pathogenic.

Labcorp Genetics (formerly Invitae), Labcorp
Classification: Pathogenic for Fanconi anemia. Last evaluated: 2024-04-07. Review status: criteria provided, single submitter. Criteria: Invitae Variant Classification Sherloc (09022015). Collection method: clinical testing. Allele origin: germline.
Comment: This sequence change creates a premature translational stop signal (p.Gly972Alafs*17) in the FANCA gene. It is expected to result in an absent or disrupted protein product. Loss-of-function variants in FANCA are known to be pathogenic (PMID: 19367192). This variant is present in population databases (no rsID available, gnomAD 0.003%). This premature translational stop signal has been observed in individual(s) with Fanconi anemia (PMID: 29098742). ClinVar contains an entry for this variant (Variation ID: 558147). For these reasons, this variant has been classified as Pathogenic.

Baylor Genetics
Classification: Pathogenic for Fanconi anemia complementation group A. Last evaluated: 2023-11-30. Review status: criteria provided, single submitter. Criteria: ACMG Guidelines, 2015. Collection method: clinical testing. Allele origin: unknown.

GeneDx
Classification: Pathogenic. Last evaluated: 2020-06-16. Review status: criteria provided, single submitter. Criteria: GeneDx Variant Classification Process June 2021. Collection method: clinical testing. Allele origin: germline. Affected: yes.
Comment: Reported previously with another FANCA variant in an individual with Fanconi anemia (Kimble et al., 2018); Frameshift variant predicted to result in protein truncation or nonsense mediated decay in a gene for which loss-of-function is a known mechanism of disease; Not observed at a significant frequency in large population cohorts (Lek et al., 2016); This variant is associated with the following publications: (PMID: 29098742)

Counsyl
Classification: Likely pathogenic for Fanconi anemia complementation group A. Last evaluated: 2018-04-30. Review status: no assertion criteria provided. Collection method: clinical testing. Allele origin: unknown. Not counted in ClinVar's aggregate classification.

Literature cited by the submitters: PubMed 29098742 (cited by 3 submitters); PubMed 19367192 (cited by Labcorp Genetics (formerly Invitae), Labcorp).